The following is an entry in ClinVar:

NM_000747.3(CHRNB1):c.*68T>C

Gene: CHRNB1 (cholinergic receptor nicotinic beta 1 subunit; plus strand). Cytogenetic location: 17p13.1.
Variant type: single nucleotide variant.
Coding change: c.*68T>C on transcript NM_000747.3 (MANE Select); 68 bases downstream of the stop codon, T replaced by C.
Molecular consequence: 3 prime UTR variant.
Genome position (GRCh38, 1-based): chr17:7,456,791, T>C. VCF-style: chr17-7456791-T-C. GRCh37 (hg19) VCF-style: chr17-7360110-T-C.
Identifiers: ClinVar variation 325109 (VCV000325109.8), dbSNP rs2302764, ClinGen allele CA10650056.

ClinVar aggregate classification (germline): Benign. Review status: criteria provided, multiple submitters, no conflicts (2 of 4 stars). 3 submissions from 3 submitters: Benign (3). Last evaluated 2018-06-19.

Conditions:
Congenital myasthenic syndrome 4C (CMS4C). Also called: Myasthenic syndrome, congenital, associated with acetylcholine receptor deficiency. Identifiers: Orphanet 590, MedGen C1837091, MONDO:0012157, OMIM 608931.

Allele frequency attached by ClinVar (database versions not stated): gnomAD 0.17079 and 0.18467; TOPMed 0.18882; 1000 Genomes Project 30x 0.29622; 1000 Genomes Project 0.30571.
gnomAD v4.1: 302,630 of 1,593,962 alleles (19%); highest among the groups gnomAD compares: East Asian, 61%; 36,723 homozygotes.

Submissions (3):

GeneDx
Classification: Benign. Last evaluated: 2018-06-19. Review status: criteria provided, single submitter. Criteria: GeneDx Variant Classification Process June 2021. Collection method: clinical testing. Allele origin: germline. Affected: yes.

Illumina Laboratory Services, Illumina
Classification: Benign for Congenital myasthenic syndrome 4C. Last evaluated: 2018-01-12. Review status: criteria provided, single submitter. Criteria: ICSL Variant Classification Criteria 13 December 2019. Collection method: clinical testing. Allele origin: germline.
Comment: This variant was observed in the ICSL laboratory as part of a predisposition screen in an ostensibly healthy population. It had not been previously curated by ICSL or reported in the Human Gene Mutation Database (HGMD: prior to June 1st, 2018), and was therefore a candidate for classification through an automated scoring system. Utilizing variant allele frequency, disease prevalence and penetrance estimates, and inheritance mode, an automated score was calculated to assess if this variant is too frequent to cause the disease. Based on the score and internal cut-off values, a variant classified as benign is not then subjected to further curation. The score for this variant resulted in a classification of benign for this disease.

Breakthrough Genomics
Classification: Benign. Review status: criteria provided, single submitter. Criteria: ACMG Guidelines, 2015. Collection method: not provided. Allele origin: germline. Inheritance: Autosomal recessive inheritance. Affected: yes.